The following is an entry in ClinVar:

ClinVar aggregate classification (germline): Uncertain significance (1 of 4 stars; one submission).

Submission:

GeneDx
Classification: Uncertain significance. Last evaluated: 2022-11-28. Review status: criteria provided, single submitter. Criteria: GeneDx Variant Classification Process June 2021. Collection method: clinical testing. Allele origin: germline. Affected: yes.
Comment: Not observed at significant frequency in large population cohorts (gnomAD); In silico analysis supports that this missense variant has a deleterious effect on protein structure/function; Has not been previously published as pathogenic or benign to our knowledge

NM_003114.5(SPAG1):c.655G>C (p.Ala219Pro)

Gene: SPAG1 (sperm associated antigen 1; plus strand). Cytogenetic location: 8q22.2.
Variant type: single nucleotide variant.
Coding change: c.655G>C on transcript NM_003114.5 (MANE Select); coding-DNA position 655, G replaced by C.
Protein change: p.Ala219Pro; replaces alanine 219 with proline.
Molecular consequence: missense variant.
Genome position (GRCh38, 1-based): chr8:100,184,687, G>C. VCF-style: chr8-100184687-G-C. GRCh37 (hg19) VCF-style: chr8-101196915-G-C.
Other names: c.655G>C, p.Ala219Pro (NM_001374321.1, NM_172218.3); short protein forms A219P.
Identifiers: ClinVar variation 2504235 (VCV002504235.1), dbSNP rs2489325167, ClinGen allele CA371802350.